The following is an entry in ClinVar:

ClinVar aggregate classification (germline): Uncertain significance. Review status: criteria provided, multiple submitters, no conflicts (2 of 4 stars). 2 submissions from 2 submitters: Uncertain significance (2). Last evaluated 2024-01-21.

Conditions:
Early-infantile DEE. Also called: Ohtahara syndrome; Early infantile epileptic encephalopathy; Early infantile epileptic encephalopathy with suppression bursts. Identifiers: Orphanet 1934, MedGen C0393706, MONDO:0800491.
SUDDEN INFANT DEATH SYNDROME (SIDS). Also called: Sudden Infant Death. Identifiers: MedGen C0038644, MeSH D013398, OMIM 272120.

Submissions (2):

Labcorp Genetics (formerly Invitae), Labcorp
Classification: Uncertain significance for Early-infantile DEE. Last evaluated: 2024-01-21. Review status: criteria provided, single submitter. Criteria: Invitae Variant Classification Sherloc (09022015). Collection method: clinical testing. Allele origin: germline.
Comment: This sequence change replaces arginine, which is basic and polar, with glutamine, which is neutral and polar, at codon 1095 of the SCN8A protein (p.Arg1095Gln). This variant is not present in population databases (gnomAD no frequency). This variant has not been reported in the literature in individuals affected with SCN8A-related conditions. ClinVar contains an entry for this variant (Variation ID: 1327129). Advanced modeling of protein sequence and biophysical properties (such as structural, functional, and spatial information, amino acid conservation, physicochemical variation, residue mobility, and thermodynamic stability) performed at Invitae indicates that this missense variant is not expected to disrupt SCN8A protein function with a negative predictive value of 95%. Algorithms developed to predict the effect of sequence changes on RNA splicing suggest that this variant may create or strengthen a splice site. In summary, the available evidence is currently insufficient to determine the role of this variant in disease. Therefore, it has been classified as a Variant of Uncertain Significance.

Robert's Program, Boston Children's Hospital
Classification: Uncertain significance for SUDDEN INFANT DEATH SYNDROME. Last evaluated: 2021-10-01. Review status: criteria provided, single submitter. Criteria: ACMG Guidelines, 2015. Collection method: research. Allele origin: germline. Affected: yes.
Comment: We classify this variant as a variant of uncertain significance using ACMG/AMP criteria. As this variant is a deleterious splicing variant, we suspect this variant is favoring pathogenic.

NM_001330260.2(SCN8A):c.3284G>A (p.Arg1095Gln)

Gene: SCN8A (sodium voltage-gated channel alpha subunit 8; plus strand). Cytogenetic location: 12q13.13.
Variant type: single nucleotide variant.
Coding change: c.3284G>A on transcript NM_001330260.2 (MANE Select); coding-DNA position 3284, G replaced by A.
Protein change: p.Arg1095Gln; replaces arginine 1095 with glutamine.
Molecular consequence: missense variant.
Genome position (GRCh38, 1-based): chr12:51,769,247, G>A. VCF-style: chr12-51769247-G-A. GRCh37 (hg19) VCF-style: chr12-52163031-G-A.
Other names: c.3284G>A, p.Arg1095Gln (NM_001177984.3, NM_001369788.1, NM_014191.4); short protein forms R1095Q.
Identifiers: ClinVar variation 1327129 (VCV001327129.5), dbSNP rs2138868984, ClinGen allele CA384893406.